The following is an entry in ClinVar:

NM_003238.6(TGFB2):c.668G>A (p.Ser223Asn)

Gene: TGFB2 (transforming growth factor beta 2; plus strand). Cytogenetic location: 1q41.
Variant type: single nucleotide variant.
Coding change: c.668G>A on transcript NM_003238.6 (MANE Select); coding-DNA position 668, G replaced by A.
Protein change: p.Ser223Asn; replaces serine 223 with asparagine.
Molecular consequence: missense variant. On other transcripts: non-coding transcript variant (2).
Genome position (GRCh38, 1-based): chr1:218,434,362, G>A. VCF-style: chr1-218434362-G-A. GRCh37 (hg19) VCF-style: chr1-218607704-G-A.
Other names: c.752G>A, p.Ser251Asn (NM_001135599.4); short protein forms S223N, S251N.
Identifiers: ClinVar variation 2815275 (VCV002815275.3), dbSNP rs957164399, ClinGen allele CA344726776.

ClinVar aggregate classification (germline): Uncertain significance (1 of 4 stars; one submission).

Conditions:
Loeys-Dietz syndrome 4 (LDS4). Also called: ANEURYSM, AORTIC AND CEREBRAL, WITH ARTERIAL TORTUOSITY AND SKELETAL MANIFESTATIONS; TGFB2-Related Loeys-Dietz Syndrome. Identifiers: MedGen C3553762, MONDO:0013897, OMIM 614816.

gnomAD v4.1: 1 of 1,613,810 alleles (0.000062%); highest among the groups gnomAD compares: Non-Finnish European, 0.000085%; no homozygotes.

Submission:

Labcorp Genetics (formerly Invitae), Labcorp
Classification: Uncertain significance for Loeys-Dietz syndrome 4. Last evaluated: 2022-11-19. Review status: criteria provided, single submitter. Criteria: Invitae Variant Classification Sherloc (09022015). Collection method: clinical testing. Allele origin: germline.
Comment: This sequence change replaces serine, which is neutral and polar, with asparagine, which is neutral and polar, at codon 223 of the TGFB2 protein (p.Ser223Asn). This variant is present in population databases (no rsID available, gnomAD 0.007%). In summary, the available evidence is currently insufficient to determine the role of this variant in disease. Therefore, it has been classified as a Variant of Uncertain Significance. This variant has not been reported in the literature in individuals affected with TGFB2-related conditions. Advanced modeling of protein sequence and biophysical properties (such as structural, functional, and spatial information, amino acid conservation, physicochemical variation, residue mobility, and thermodynamic stability) performed at Invitae indicates that this missense variant is not expected to disrupt TGFB2 protein function.